The following is an entry in ClinVar:

NM_001080414.4(CCDC88C):c.400-5C>T

Gene: CCDC88C (coiled-coil and HOOK domain protein 88C; minus strand). Cytogenetic location: 14q32.11.
Variant type: single nucleotide variant.
Coding change: c.400-5C>T on transcript NM_001080414.4 (MANE Select); 5 bases into the intron before coding-DNA position 400, C replaced by T.
Molecular consequence: intron variant.
Genome position (GRCh38, 1-based): chr14:91,342,468, G>A on the plus strand (C>T on the coding strand, the complement: CCDC88C is on the minus strand). VCF-style: chr14-91342468-G-A. GRCh37 (hg19) VCF-style: chr14-91808812-G-A.
Identifiers: ClinVar variation 734187 (VCV000734187.12), dbSNP rs370643702, ClinGen allele CA7310253.
Genomic context (GRCh38, chr14:91,342,468, plus strand): 5'-TGGGTCTCAATGTCCAGCTGTTTGATTCTTTCAATGAACTCCTCTTTCCTCTCACACTGC[G>A]GAGGGTTACATGTGTTAATGGAAGCGCTGTTCAAGTGAGGGTGAAGCTGAGTCCACCACA-3'

ClinVar aggregate classification (germline): Likely benign. Review status: criteria provided, multiple submitters, no conflicts (2 of 4 stars). 5 submissions from 5 submitters: Likely benign (2). 3 of the submissions do not count toward it. Last evaluated 2026-01-28.

Conditions:
CCDC88C-related disorder. Also called: CCDC88C-Related Disorders; CCDC88C-related condition.

Allele frequency attached by ClinVar (database versions not stated): gnomAD exomes 0.00046; TOPMed 0.00054; gnomAD 0.00055 and 0.00056; ExAC 0.00061; ESP Exome Variant Server 0.00064.
gnomAD v4.1: 1,371 of 1,567,676 alleles (0.087%); highest among the groups gnomAD compares: Non-Finnish European, 0.11%; no homozygotes.

Submissions (5):

Labcorp Genetics (formerly Invitae), Labcorp
Classification: Likely benign. Last evaluated: 2026-01-28. Review status: criteria provided, single submitter. Criteria: Invitae Variant Classification Sherloc (09022015). Collection method: clinical testing. Allele origin: germline.

Blueprint Genetics
Classification: Likely benign. Last evaluated: 2024-09-12. Review status: criteria provided, single submitter. Criteria: ACMG Guidelines, 2015. Collection method: clinical testing. Allele origin: germline.

PreventionGenetics, part of Exact Sciences
Classification: Likely benign for CCDC88C-related condition. Last evaluated: 2019-09-09. Review status: no assertion criteria provided. Collection method: clinical testing. Allele origin: germline. Not counted in ClinVar's aggregate classification.
Comment: This variant is classified as likely benign based on ACMG/AMP sequence variant interpretation guidelines (Richards et al. 2015 PMID: 25741868, with internal and published modifications).

Clinical Genetics DNA and cytogenetics Diagnostics Lab, Erasmus MC, Erasmus Medical Center
Classification: Likely benign. Review status: no assertion criteria provided. Collection method: clinical testing. Allele origin: germline. Affected: yes. Study: VKGL Data-share Consensus. Not counted in ClinVar's aggregate classification.

Diagnostic Laboratory, Department of Genetics, University Medical Center Groningen
Classification: Likely benign. Review status: no assertion criteria provided. Collection method: clinical testing. Allele origin: germline. Affected: yes. Study: VKGL Data-share Consensus. Not counted in ClinVar's aggregate classification.